The following is an entry in ClinVar:

NM_018139.3(DNAAF2):c.1595A>G (p.Glu532Gly)

Gene: DNAAF2 (dynein axonemal assembly factor 2; minus strand). Cytogenetic location: 14q21.3.
Variant type: single nucleotide variant.
Coding change: c.1595A>G on transcript NM_018139.3 (MANE Select); coding-DNA position 1595, A replaced by G.
Protein change: p.Glu532Gly; replaces glutamic acid 532 with glycine.
Molecular consequence: missense variant. On other transcripts: 5 prime UTR variant (1).
Genome position (GRCh38, 1-based): chr14:49,633,555, T>C on the plus strand (A>G on the coding strand, the complement: DNAAF2 is on the minus strand). VCF-style: chr14-49633555-T-C. GRCh37 (hg19) VCF-style: chr14-50100273-T-C.
Other names: c.1595A>G, p.Glu532Gly (NM_001083908.2); c.-277A>G (NM_001378453.1); short protein forms E532G.
Identifiers: ClinVar variation 228604 (VCV000228604.22), dbSNP rs143210369, ClinGen allele CA7172874.
Genomic context (GRCh38, chr14:49,633,555, plus strand): 5'-AAATCTCCTTGAAGACTTTGCGGCTGGATCCGAGGCACCTGAATGAGCAGAGTCAAGGTT[T>C]CTTTGTCCTGATTACACAGTAACGGAGGACACAAAGGCTCCCCGCTCTTGGTCCCGGGAC-3'
Protein context (NP_060609.2, residues 522-542): CPPLLCNQDK[Glu532Gly]TLTLLIQVPR

ClinVar aggregate classification (germline): Conflicting classifications of pathogenicity. Review status: criteria provided, conflicting classifications (1 of 4 stars). 6 submissions from 6 submitters: Uncertain significance (4); Likely benign (2). Last evaluated 2026-01-26.

Conditions:
DNAAF2-related disorder. Also called: DNAAF2-related condition.
Primary ciliary dyskinesia. Also called: Ciliary dyskinesia. Identifiers: Orphanet 244, MedGen C0008780, MONDO:0016575, HP:0012265.
Primary ciliary dyskinesia 10. Also called: CILIARY DYSKINESIA, PRIMARY, 10, WITH OR WITHOUT SITUS INVERSUS. Identifiers: Orphanet 244, MedGen C2675867, MONDO:0012918, OMIM 612518.

Allele frequency attached by ClinVar (database versions not stated): gnomAD exomes 0.00006 and 0.00016; ExAC 0.00023; gnomAD 0.00045 and 0.00052; 1000 Genomes Project 30x 0.00047; TOPMed 0.00055; 1000 Genomes Project 0.00060; ESP Exome Variant Server 0.00085.
gnomAD v4.1: 182 of 1,614,034 alleles (0.011%); highest among the groups gnomAD compares: African/African-American, 0.16%; 1 homozygote.

Submissions (6):

Labcorp Genetics (formerly Invitae), Labcorp
Classification: Uncertain significance for Primary ciliary dyskinesia. Last evaluated: 2026-01-26. Review status: criteria provided, single submitter. Criteria: Invitae Variant Classification Sherloc (09022015). Collection method: clinical testing. Allele origin: germline.
Comment: This sequence change replaces glutamic acid, which is acidic and polar, with glycine, which is neutral and non-polar, at codon 532 of the DNAAF2 protein (p.Glu532Gly). This variant is present in population databases (rs143210369, gnomAD 0.2%). This variant has not been reported in the literature in individuals affected with DNAAF2-related conditions. ClinVar contains an entry for this variant (Variation ID: 228604). Invitae Evidence Modeling of protein sequence and biophysical properties (such as structural, functional, and spatial information, amino acid conservation, physicochemical variation, residue mobility, and thermodynamic stability) has been performed for this missense variant. However, the output from this modeling did not meet the statistical confidence thresholds required to predict the impact of this variant on DNAAF2 protein function. In summary, the available evidence is currently insufficient to determine the role of this variant in disease. Therefore, it has been classified as a Variant of Uncertain Significance.

PreventionGenetics, part of Exact Sciences
Classification: Likely benign for DNAAF2-related condition. Last evaluated: 2025-09-20. Review status: criteria provided, single submitter. Criteria: ACMG Guidelines, 2015. Collection method: clinical testing. Allele origin: germline.
Comment: This variant is classified as likely benign based on ACMG/AMP sequence variant interpretation guidelines (Richards et al. 2015 PMID: 25741868, with internal and published modifications).

Fulgent Genetics
Classification: Uncertain significance for Primary ciliary dyskinesia 10. Last evaluated: 2022-02-15. Review status: criteria provided, single submitter. Criteria: ACMG Guidelines, 2015. Collection method: clinical testing. Allele origin: unknown.

Illumina Laboratory Services, Illumina
Classification: Uncertain significance for Primary ciliary dyskinesia 10. Last evaluated: 2018-01-13. Review status: criteria provided, single submitter. Criteria: ICSL Variant Classification Criteria 13 December 2019. Collection method: clinical testing. Allele origin: germline.

Ambry Genetics
Classification: Likely benign for Primary ciliary dyskinesia. Last evaluated: 2017-04-03. Review status: criteria provided, single submitter. Criteria: Ambry Variant Classification Scheme 2023. Collection method: clinical testing. Allele origin: germline.

Laboratory for Molecular Medicine, Mass General Brigham Personalized Medicine
Classification: Uncertain significance. Last evaluated: 2016-01-14. Review status: criteria provided, single submitter. Criteria: LMM Criteria. Collection method: clinical testing. Allele origin: germline. Observed: 1 variant allele.
Comment: Variant classified as Uncertain Significance - Favor Benign. The p.Glu532Gly var iant in DNAAF2 has not been previously reported in individuals with pulmonary di sease, but has been identified in 0.2% (23/10368) of African chromosomes by the Exome Aggregation Consortium (ExAC; dbSNP rs1432 10369). Computational prediction tools and conservation analysis suggest that th e p.Glu532Gly variant may not impact the protein, though this information is not predictive enough to rule out pathogenicity. In summary, while the clinical sig nificance of the p.Glu532Gly variant is uncertain, its frequency suggests that i t is more likely to be benign.